The following is an entry in ClinVar:

ClinVar aggregate classification (germline): Uncertain significance (1 of 4 stars; one submission).

gnomAD v4.1: 14 of 1,608,670 alleles (0.00087%); highest among the groups gnomAD compares: Admixed American, 0.0033%; no homozygotes.

Submission:

Labcorp Genetics (formerly Invitae), Labcorp
Classification: Uncertain significance. Last evaluated: 2025-05-27. Review status: criteria provided, single submitter. Criteria: Invitae Variant Classification Sherloc (09022015). Collection method: clinical testing. Allele origin: germline.
Comment: This sequence change replaces proline, which is neutral and non-polar, with serine, which is neutral and polar, at codon 1319 of the COL11A1 protein (p.Pro1319Ser). This variant is not present in population databases (gnomAD no frequency). This variant has not been reported in the literature in individuals affected with COL11A1-related conditions. Invitae Evidence Modeling of protein sequence and biophysical properties (such as structural, functional, and spatial information, amino acid conservation, physicochemical variation, residue mobility, and thermodynamic stability) indicates that this missense variant is not expected to disrupt COL11A1 protein function with a negative predictive value of 80%. In summary, the available evidence is currently insufficient to determine the role of this variant in disease. Therefore, it has been classified as a Variant of Uncertain Significance.

NM_001854.4(COL11A1):c.3955C>T (p.Pro1319Ser)

Gene: COL11A1 (collagen type XI alpha 1 chain; minus strand). Cytogenetic location: 1p21.1.
Variant type: single nucleotide variant.
Coding change: c.3955C>T on transcript NM_001854.4 (MANE Select); coding-DNA position 3955, C replaced by T.
Protein change: p.Pro1319Ser; replaces proline 1319 with serine.
Molecular consequence: missense variant. On other transcripts: non-coding transcript variant (1).
Genome position (GRCh38, 1-based): chr1:102,914,375, G>A on the plus strand (C>T on the coding strand, the complement: COL11A1 is on the minus strand). VCF-style: chr1-102914375-G-A. GRCh37 (hg19) VCF-style: chr1-103379931-G-A.
Other names: c.3838C>T, p.Pro1280Ser (NM_001190709.2); c.3991C>T, p.Pro1331Ser (NM_080629.3); c.3607C>T, p.Pro1203Ser (NM_080630.4); short protein forms P1319S, P1331S, P1203S, P1280S.
Identifiers: ClinVar variation 4767112 (VCV004767112.1).